The following is an entry in ClinVar:

ClinVar aggregate classification (germline): Likely benign (1 of 4 stars; one submission).

Allele frequency attached by ClinVar (database versions not stated): gnomAD 0.00001 and 0.00003; gnomAD exomes 0.00002; ExAC 0.00001; TOPMed 0.00002.

Submission:

GeneDx
Classification: Likely benign. Last evaluated: 2016-07-19. Review status: criteria provided, single submitter. Criteria: GeneDx Variant Classification (06012015). Collection method: clinical testing. Allele origin: germline. Affected: yes.
Comment: This variant is considered likely benign or benign based on one or more of the following criteria: it is a conservative change, it occurs at a poorly conserved position in the protein, it is predicted to be benign by multiple in silico algorithms, and/or has population frequency not consistent with disease.

NM_001908.5(CTSB):c.533-10G>A

Gene: CTSB (cathepsin B). Cytogenetic location: 8p23.1.
Variant type: single nucleotide variant.
Coding change: c.533-10G>A on transcript NM_001908.5 (MANE Select); 10 bases into the intron before coding-DNA position 533, G replaced by A.
Molecular consequence: intron variant.
Genome position (GRCh38, 1-based): chr8:11,847,832, C>T on the plus strand (G>A on the coding strand, the complement: CTSB is on the minus strand). VCF-style: chr8-11847832-C-T. GRCh37 (hg19) VCF-style: chr8-11705341-C-T.
Other names: c.533-10G>A (NM_147783.4, NM_147781.4, NM_147782.4 and 1 more transcripts); c.161-10G>A (NM_001317237.2).
Identifiers: ClinVar variation 387891 (VCV000387891.1), dbSNP rs748590400, ClinGen allele CA4632720.